The following is an entry in ClinVar:

ClinVar aggregate classification (germline): Uncertain significance. Review status: criteria provided, multiple submitters, no conflicts (2 of 4 stars). 2 submissions from 2 submitters: Uncertain significance (2). Last evaluated 2026-08-03.

Conditions:
Familial hypercholesterolemia. Also called: Familial hypercholesterolemias; Familial hypercholesterolaemia. Identifiers: MedGen C0020445, MONDO:0005439.
Cardiovascular phenotype. Identifiers: MedGen CN230736.

Allele frequency attached by ClinVar (database versions not stated): gnomAD exomes below 0.00001; TOPMed below 0.00001; gnomAD 0.00001.
gnomAD v4.1: 4 of 1,613,942 alleles (0.00025%); highest among the groups gnomAD compares: South Asian, 0.0033%; no homozygotes.

Submissions (2):

Cambridge Genomics Laboratory, East Genomic Laboratory Hub, NHS Genomic Medicine Service
Classification: Uncertain significance for Familial hypercholesterolaemia. Last evaluated: 2026-08-03. Review status: criteria provided, single submitter. Criteria: ACGS Best Practice Guidelines for Variant Classification in Rare Disease 2020. Collection method: clinical testing. Allele origin: germline. Affected: yes.
Comment: PM2_Supporting,PP4

Ambry Genetics
Classification: Uncertain significance for Cardiovascular phenotype. Last evaluated: 2021-11-19. Review status: criteria provided, single submitter. Criteria: Ambry Variant Classification Scheme 2023. Collection method: clinical testing. Allele origin: germline.
Comment: The p.V3273A variant (also known as c.9818T>C), located in coding exon 26 of the APOB gene, results from a T to C substitution at nucleotide position 9818. The valine at codon 3273 is replaced by alanine, an amino acid with similar properties. This amino acid position is conserved. In addition, this alteration is predicted to be tolerated by in silico analysis. Since supporting evidence is limited at this time, the clinical significance of this alteration remains unclear.

NM_000384.3(APOB):c.9818T>C (p.Val3273Ala)

Gene: APOB (apolipoprotein B; minus strand). Cytogenetic location: 2p24.1.
Variant type: single nucleotide variant.
Coding change: c.9818T>C on transcript NM_000384.3 (MANE Select); coding-DNA position 9818, T replaced by C.
Protein change: p.Val3273Ala; replaces valine 3273 with alanine.
Molecular consequence: missense variant.
Genome position (GRCh38, 1-based): chr2:21,007,050, A>G on the plus strand (T>C on the coding strand, the complement: APOB is on the minus strand). VCF-style: chr2-21007050-A-G. GRCh37 (hg19) VCF-style: chr2-21229922-A-G.
Other names: short protein forms V3273A.
Identifiers: ClinVar variation 927581 (VCV000927581.6), dbSNP rs1302665094, ClinGen allele CA345988661.